The following is an entry in ClinVar:

NM_015272.5(RPGRIP1L):c.3187G>T (p.Glu1063Ter)

Gene: RPGRIP1L (RPGRIP1 like; minus strand). Cytogenetic location: 16q12.2.
Variant type: single nucleotide variant.
Coding change: c.3187G>T on transcript NM_015272.5 (MANE Select); coding-DNA position 3187, G replaced by T.
Protein change: p.Glu1063Ter; replaces glutamic acid 1063 with a stop codon.
Molecular consequence: nonsense.
Genome position (GRCh38, 1-based): chr16:53,637,728, C>A on the plus strand (G>T on the coding strand, the complement: RPGRIP1L is on the minus strand). VCF-style: chr16-53637728-C-A. GRCh37 (hg19) VCF-style: chr16-53671640-C-A.
Other names: c.3187G>T (NM_015272.4); c.3085G>T, p.Glu1029Ter (NM_001127897.4, NM_001330538.2); c.3187G>T, p.Glu1063Ter (NM_001308334.3); short protein forms E1029*, E1063*.
Identifiers: ClinVar variation 377203 (VCV000377203.4), dbSNP rs1057520162, ClinGen allele CA16603302.

ClinVar aggregate classification (germline): Likely pathogenic. Review status: criteria provided, single submitter (1 of 4 stars). 3 submissions from 3 submitters: Likely pathogenic (1). 2 of the submissions do not count toward it. Last evaluated 2016-09-13.

Conditions:
RPGRIP1L-related disorder. Also called: RPGRIP1L-related disorders; RPGRIP1L-related condition. Identifiers: MedGen CN239416.
Joubert syndrome. Also called: Familial aplasia of the vermis; JOUBERT-BOLTSHAUSER SYNDROME. Identifiers: Orphanet 475, MedGen C5979921, MONDO:0018772.

Allele frequency attached by ClinVar (database versions not stated): gnomAD exomes below 0.00001; TOPMed below 0.00001.
gnomAD v4.1: 6 of 1,611,542 alleles (0.00037%); highest among the groups gnomAD compares: African/African-American, 0.0013%; no homozygotes.

Submissions (3):

Center for Pediatric Genomic Medicine, Children's Mercy Hospital and Clinics
Classification: Likely pathogenic. Last evaluated: 2016-09-13. Review status: criteria provided, single submitter. Criteria: ACMG Guidelines, 2015. Collection method: clinical testing. Allele origin: germline.

PreventionGenetics, part of Exact Sciences
Classification: Likely pathogenic for RPGRIP1L-related condition. Last evaluated: 2024-05-10. Review status: no assertion criteria provided. Collection method: clinical testing. Allele origin: germline. Not counted in ClinVar's aggregate classification.
Comment: The RPGRIP1L c.3187G>T variant is predicted to result in premature protein termination (p.Glu1063*). To our knowledge, this variant has not been reported in individuals with RPGRIP1L-related disorders in the literature. This variant is reported in 0.00088% of alleles in individuals of European (Non-Finnish) descent in gnomAD. Nonsense variants in RPGRIP1L are expected to be pathogenic. This variant is interpreted as likely pathogenic.

Natera, Inc.
Classification: Likely pathogenic for Joubert syndrome. Last evaluated: 2021-01-23. Review status: no assertion criteria provided. Collection method: clinical testing. Allele origin: germline. Not counted in ClinVar's aggregate classification.